The following is an entry in ClinVar:

NM_145059.3(FCSK):c.2572G>T (p.Ala858Ser)

Gene: FCSK (fucose kinase; plus strand). Cytogenetic location: 16q22.1.
Variant type: single nucleotide variant.
Coding change: c.2572G>T on transcript NM_145059.3 (MANE Select); coding-DNA position 2572, G replaced by T.
Protein change: p.Ala858Ser; replaces alanine 858 with serine.
Molecular consequence: missense variant.
Genome position (GRCh38, 1-based): chr16:70,475,698, G>T. VCF-style: chr16-70475698-G-T. GRCh37 (hg19) VCF-style: chr16-70509601-G-T.
Other names: short protein forms A858S.
Identifiers: ClinVar variation 918131 (VCV000918131.1), dbSNP rs17884050, ClinGen allele CA283473652.

ClinVar aggregate classification (germline): Uncertain significance (1 of 4 stars; one submission).

Allele frequency attached by ClinVar (database versions not stated): TOPMed 0.00002.
gnomAD v4.1: 8 of 1,601,590 alleles (0.0005%); highest among the groups gnomAD compares: Non-Finnish European, 0.00068%; no homozygotes.

Submission:

Women's Health and Genetics/Laboratory Corporation of America, LabCorp
Classification: Uncertain significance. Last evaluated: 2020-03-24. Review status: criteria provided, single submitter. Criteria: LabCorp Variant Classification Summary - May 2015. Collection method: clinical testing. Allele origin: germline.
Comment: Variant summary: FCSK c.2572G>T (p.Ala858Ser) results in a conservative amino acid change located in the GHMP kinase N-terminal domain (IPR006204) of the encoded protein sequence. Five of five in-silico tools predict a benign effect of the variant on protein function. The variant allele was found at a frequency of 4.4e-06 in 227414 control chromosomes (gnomAD). The available data on variant occurrences in the general population are insufficient to allow any conclusion about variant significance. To our knowledge, no occurrence of c.2572G>T in individuals affected with Congenital disorder of glycosylation with defective fucosylation 2 and no experimental evidence demonstrating its impact on protein function have been reported. No clinical diagnostic laboratories have submitted clinical-significance assessments for this variant to ClinVar after 2014. Based on the evidence outlined above, the variant was classified as uncertain significance.